The following is an entry in ClinVar:

NM_000268.4(NF2):c.1716C>A (p.Ser572Arg)

Gene: NF2 (NF2, moesin-ezrin-radixin like (MERLIN) tumor suppressor; plus strand). Cytogenetic location: 22q12.2.
Variant type: single nucleotide variant.
Coding change: c.1716C>A on transcript NM_000268.4 (MANE Select); coding-DNA position 1716, C replaced by A.
Protein change: p.Ser572Arg; replaces serine 572 with arginine.
Molecular consequence: missense variant. On other transcripts: intron variant (3).
Genome position (GRCh38, 1-based): chr22:29,681,580, C>A. VCF-style: chr22-29681580-C-A. GRCh37 (hg19) VCF-style: chr22-30077569-C-A.
Other names: c.1593C>A, p.Ser531Arg (NM_181829.3, NM_001407054.1, NM_001407058.1); c.1467C>A, p.Ser489Arg (NM_181830.3, NM_181831.3, NM_001407063.1); c.1716C>A, p.Ser572Arg (NM_181832.3, NM_001407066.1, NM_016418.5 and 1 more transcripts); c.1574+3257C>A (NM_001407060.1); c.448-13172C>A (NM_181833.3); c.1325+3257C>A (NM_001407064.1); c.1602C>A, p.Ser534Arg (NM_001407053.1, NM_001407056.1); c.1590C>A, p.Ser530Arg (NM_001407055.1, NM_181828.3); and 4 more; short protein forms S394R, S486R, S489R, S495R, S527R, S530R, S531R, S534R.
Identifiers: ClinVar variation 4861030 (VCV004861030.1).
Genomic context (GRCh38, chr22:29,681,580, plus strand): 5'-AGAGAGGGAGACAGCTCTGGATATTCTGCACAATGAGAACTCCGACAGGGGTGGCAGCAG[C>A]AAGCACAATACCATTAAAAAGGTACCCAGGGTCTCTTTCTTGTATTTTGCTGATCAGGAC-3'
Protein context (NP_000259.1, residues 562-582): HNENSDRGGS[Ser572Arg]KHNTIKKLTL

ClinVar aggregate classification (germline): Uncertain significance (1 of 4 stars; one submission).

Conditions:
Hereditary cancer-predisposing syndrome. Also called: Neoplastic Syndromes, Hereditary; Tumor predisposition; Hereditary Cancer Syndrome; Hereditary neoplastic syndrome. Identifiers: Orphanet 140162, MedGen C0027672, MeSH D009386, MONDO:0015356.

Submission:

Ambry Genetics
Classification: Uncertain significance for Hereditary cancer-predisposing syndrome. Last evaluated: 2026-05-26. Review status: criteria provided, single submitter. Criteria: Ambry Variant Classification Scheme 2023. Collection method: clinical testing. Allele origin: germline.
Comment: The p.S572R variant (also known as c.1716C>A), located in coding exon 15 of the NF2 gene, results from a C to A substitution at nucleotide position 1716. The serine at codon 572 is replaced by arginine, an amino acid with dissimilar properties. This amino acid position is conserved. In addition, the in silico prediction for this alteration is inconclusive. Based on the available evidence, the clinical significance of this variant remains unclear.